The following is an entry in ClinVar:

ClinVar aggregate classification (germline): Likely pathogenic (1 of 4 stars; one submission).

Conditions:
Familial hemophagocytic lymphohistiocytosis 5. Also called: STXBP2-Related Familial Hemophagocytic Lymphohistiocytosis (STXBP2-fHLH). Identifiers: Orphanet 540, MedGen C2751293, MONDO:0013135, OMIM 613101.

Allele frequency attached by ClinVar (database versions not stated): gnomAD exomes below 0.00001; gnomAD 0.00001; TOPMed 0.00001.
gnomAD v4.1: 4 of 1,602,070 alleles (0.00025%); highest among the groups gnomAD compares: African/African-American, 0.0027%; no homozygotes.

Submission:

Labcorp Genetics (formerly Invitae), Labcorp
Classification: Likely pathogenic for Familial hemophagocytic lymphohistiocytosis 5. Last evaluated: 2023-08-08. Review status: criteria provided, single submitter. Criteria: Invitae Variant Classification Sherloc (09022015). Collection method: clinical testing. Allele origin: germline.
Comment: In summary, the currently available evidence indicates that the variant is pathogenic, but additional data are needed to prove that conclusively. Therefore, this variant has been classified as Likely Pathogenic. Algorithms developed to predict the effect of sequence changes on RNA splicing suggest that this variant may disrupt the consensus splice site. ClinVar contains an entry for this variant (Variation ID: 2138203). This variant is also known as c.1485+1G>A, c.1443+1G>A. Disruption of this splice site has been observed in individual(s) with hemophagocytic lymphohistiocytosis (PMID: 27848944, 31130284, 32542393). This variant is not present in population databases (gnomAD no frequency). This sequence change affects a donor splice site in intron 16 of the STXBP2 gene. It is expected to disrupt RNA splicing. Variants that disrupt the donor or acceptor splice site typically lead to a loss of protein function (PMID: 16199547), and loss-of-function variants in STXBP2 are known to be pathogenic (PMID: 19804848, 22451424).

Literature cited by the submitters: PubMed 27848944; PubMed 31130284; PubMed 32542393; PubMed 16199547; PubMed 19804848; PubMed 22451424.

NM_006949.4(STXBP2):c.1452+1G>A

Gene: STXBP2 (syntaxin binding protein 2; plus strand). Cytogenetic location: 19p13.2.
Variant type: single nucleotide variant.
Coding change: c.1452+1G>A on transcript NM_006949.4 (MANE Select); the canonical splice donor site of the intron after coding-DNA position 1452, G replaced by A.
Molecular consequence: splice donor variant.
Genome position (GRCh38, 1-based): chr19:7,646,345, G>A. VCF-style: chr19-7646345-G-A. GRCh37 (hg19) VCF-style: chr19-7711231-G-A.
Other names: c.1356+1G>A (NM_001414484.1); c.1485+1G>A (NM_001272034.2); c.1443+1G>A (NM_001127396.3).
Identifiers: ClinVar variation 2138203 (VCV002138203.6), dbSNP rs779558314, ClinGen allele CA9144157.
Genomic context (GRCh38, chr19:7,646,345, plus strand): 5'-CGCATGGAGCCCACCTATCAGCTGTCCCGCTGGACCCCGGTCATCAAGGATGTAATGGAG[G>A]TACTGGGTGGCAGGTCAGGGTGGGGGCCAGCCCTCCGCATCGGCTGGCGGCTCAGCCTCC-3'